The following is an entry in ClinVar:

ClinVar aggregate classification (germline): Uncertain significance (1 of 4 stars; one submission).

Conditions:
Cardiovascular phenotype. Identifiers: MedGen CN230736.

Submission:

Ambry Genetics
Classification: Uncertain significance for Cardiovascular phenotype. Last evaluated: 2025-07-03. Review status: criteria provided, single submitter. Criteria: Ambry Variant Classification Scheme 2023. Collection method: clinical testing. Allele origin: germline.
Comment: The c.61+5G>A intronic variant results from a G to A substitution 5 nucleotides after coding exon 1 in the SCN4B gene. This nucleotide position is highly conserved in available vertebrate species. In silico splice site analysis for this alteration is inconclusive. The evidence for this gene-disease relationship is limited; therefore, the clinical significance of this alteration is unclear.

NM_174934.4(SCN4B):c.61+5G>A

Gene: SCN4B (sodium voltage-gated channel beta subunit 4; minus strand). Cytogenetic location: 11q23.3.
Variant type: single nucleotide variant.
Coding change: c.61+5G>A on transcript NM_174934.4 (MANE Select); 5 bases into the intron after coding-DNA position 61, G replaced by A.
Molecular consequence: intron variant.
Genome position (GRCh38, 1-based): chr11:118,152,608, C>T on the plus strand (G>A on the coding strand, the complement: SCN4B is on the minus strand). VCF-style: chr11-118152608-C-T. GRCh37 (hg19) VCF-style: chr11-118023323-C-T.
Other names: c.61+5G>A (NM_001142348.2).
Identifiers: ClinVar variation 4160638 (VCV004160638.1).
Genomic context (GRCh38, chr11:118,152,608, plus strand): 5'-TCGAGTGTCCCCTTCTTTGGGGGTGGGGGGAGGCAAGAGAAGAGACCAAGCTGGGGCTGC[C>T]TTACCCAAAAGCCCAGTGCCCAGCCATCTCGCCGGGGCTTTGCCTCCGTCCCCAGCCCCG-3'